The following is an entry in ClinVar:

ClinVar aggregate classification (germline): Likely benign (0 of 4 stars; one submission).

Conditions:
ULK4-related disorder. Also called: ULK4-related condition.

Allele frequency attached by ClinVar (database versions not stated): gnomAD exomes 0.00004; ExAC 0.00018; gnomAD 0.00057; ESP Exome Variant Server 0.00059; TOPMed 0.00061; 1000 Genomes Project 0.00100; 1000 Genomes Project 30x 0.00125.
gnomAD v4.1: 154 of 1,612,876 alleles (0.0095%); highest among the groups gnomAD compares: African/African-American, 0.18%; no homozygotes.

Submission:

PreventionGenetics, part of Exact Sciences
Classification: Likely benign for ULK4-related condition. Last evaluated: 2019-04-30. Review status: no assertion criteria provided. Collection method: clinical testing. Allele origin: germline.
Comment: This variant is classified as likely benign based on ACMG/AMP sequence variant interpretation guidelines (Richards et al. 2015 PMID: 25741868, with internal and published modifications).

NM_017886.4(ULK4):c.165C>T (p.His55=)

Gene: ULK4 (unc-51 like kinase 4; minus strand). Cytogenetic location: 3p22.1.
Variant type: single nucleotide variant.
Coding change: c.165C>T on transcript NM_017886.4 (MANE Select); coding-DNA position 165, C replaced by T.
Protein change: p.His55=; no amino-acid change (histidine 55 retained).
Molecular consequence: synonymous variant. On other transcripts: 5 prime UTR variant (1), non-coding transcript variant (1).
Genome position (GRCh38, 1-based): chr3:41,938,171, G>A on the plus strand (C>T on the coding strand, the complement: ULK4 is on the minus strand). VCF-style: chr3-41938171-G-A. GRCh37 (hg19) VCF-style: chr3-41979663-G-A.
Other names: c.165C>T, p.His55= (NM_001322500.2); c.-666C>T (NM_001322501.2).
Identifiers: ClinVar variation 3056778 (VCV003056778.2), dbSNP rs199939738, ClinGen allele CA2332812.
Genomic context (GRCh38, chr3:41,938,171, plus strand): 5'-CACCACTAGCCAGAGGTGGTTGCTTGTTTCATACCATTCATGAAAAGTTACAATATTCTT[G>A]TGTTTTATTTCACGGGTGAGACGGACCTATAAAAACACAGAGCAATCACTCTAAAAAGAA-3'
Protein context (NP_060356.2, residues 45-65): NWVRLTREIK[His55=]KNIVTFHEWY